The following is an entry in ClinVar:

NM_001105206.3(LAMA4):c.3759C>A (p.Phe1253Leu)

Gene: LAMA4 (laminin subunit alpha 4; minus strand). Cytogenetic location: 6q21.
Variant type: single nucleotide variant.
Coding change: c.3759C>A on transcript NM_001105206.3 (MANE Select); coding-DNA position 3759, C replaced by A.
Protein change: p.Phe1253Leu; replaces phenylalanine 1253 with leucine.
Molecular consequence: missense variant.
Genome position (GRCh38, 1-based): chr6:112,132,828, G>T on the plus strand (C>A on the coding strand, the complement: LAMA4 is on the minus strand). VCF-style: chr6-112132828-G-T. GRCh37 (hg19) VCF-style: chr6-112454030-G-T.
Other names: c.3738C>A, p.Phe1246Leu (NM_001105207.3, NM_002290.5); short protein forms F1246L, F1253L.
Identifiers: ClinVar variation 2078321 (VCV002078321.5), dbSNP rs1562643089, ClinGen allele CA365375048.

ClinVar aggregate classification (germline): Uncertain significance. Review status: criteria provided, multiple submitters, no conflicts (2 of 4 stars). 2 submissions from 2 submitters: Uncertain significance (2). Last evaluated 2024-10-27.

Conditions:
Cardiovascular phenotype. Identifiers: MedGen CN230736.
Dilated cardiomyopathy 1JJ (CMD1JJ). Identifiers: Orphanet 154, MedGen C3808935, MONDO:0014095, OMIM 615235.

gnomAD v4.1: 2 of 1,612,502 alleles (0.00012%); highest among the groups gnomAD compares: South Asian, 0.0011%; no homozygotes.

Submissions (2):

Labcorp Genetics (formerly Invitae), Labcorp
Classification: Uncertain significance for Dilated cardiomyopathy 1JJ. Last evaluated: 2024-10-27. Review status: criteria provided, single submitter. Criteria: Invitae Variant Classification Sherloc (09022015). Collection method: clinical testing. Allele origin: germline.
Comment: This sequence change replaces phenylalanine, which is neutral and non-polar, with leucine, which is neutral and non-polar, at codon 1246 of the LAMA4 protein (p.Phe1246Leu). This variant is not present in population databases (gnomAD no frequency). This variant has not been reported in the literature in individuals affected with LAMA4-related conditions. ClinVar contains an entry for this variant (Variation ID: 2078321). Invitae Evidence Modeling of protein sequence and biophysical properties (such as structural, functional, and spatial information, amino acid conservation, physicochemical variation, residue mobility, and thermodynamic stability) indicates that this missense variant is not expected to disrupt LAMA4 protein function with a negative predictive value of 80%. In summary, the available evidence is currently insufficient to determine the role of this variant in disease. Therefore, it has been classified as a Variant of Uncertain Significance.

Ambry Genetics
Classification: Uncertain significance for Cardiovascular phenotype. Last evaluated: 2024-03-22. Review status: criteria provided, single submitter. Criteria: Ambry Variant Classification Scheme 2023. Collection method: clinical testing. Allele origin: germline.
Comment: The p.F1246L variant (also known as c.3738C>A), located in coding exon 27 of the LAMA4 gene, results from a C to A substitution at nucleotide position 3738. The phenylalanine at codon 1246 is replaced by leucine, an amino acid with highly similar properties. This amino acid position is conserved. In addition, this alteration is predicted to be tolerated by in silico analysis. Based on the available evidence, the clinical significance of this alteration remains unclear.